The following is an entry in ClinVar:

NM_002246.3(KCNK3):c.781C>A (p.Arg261Ser)

Gene: KCNK3 (potassium two pore domain channel subfamily K member 3; plus strand). Cytogenetic location: 2p23.3.
Variant type: single nucleotide variant.
Coding change: c.781C>A on transcript NM_002246.3 (MANE Select); coding-DNA position 781, C replaced by A.
Protein change: p.Arg261Ser; replaces arginine 261 with serine.
Molecular consequence: missense variant.
Genome position (GRCh38, 1-based): chr2:26,728,164, C>A. VCF-style: chr2-26728164-C-A. GRCh37 (hg19) VCF-style: chr2-26951032-C-A.
Other names: short protein forms R261S.
Identifiers: ClinVar variation 944759 (VCV000944759.2), dbSNP rs1481650624, ClinGen allele CA346262766.

ClinVar aggregate classification (germline): Uncertain significance. Review status: criteria provided, multiple submitters, no conflicts (2 of 4 stars). 2 submissions from 2 submitters: Uncertain significance (2). Last evaluated 2026-02-17.

Conditions:
Pulmonary hypertension, primary, 4. Identifiers: Orphanet 422, MedGen C3809198, MONDO:0014136, OMIM 615344.
Inborn genetic diseases. Identifiers: MedGen C0950123, MeSH D030342.

gnomAD v4.1: 1 of 1,576,678 alleles (0.000063%); highest among the groups gnomAD compares: Non-Finnish European, 0.000086%; no homozygotes.

Submissions (2):

Ambry Genetics
Classification: Uncertain significance for Inborn genetic diseases. Last evaluated: 2026-02-17. Review status: criteria provided, single submitter. Criteria: Ambry Variant Classification Scheme 2023. Collection method: clinical testing. Allele origin: germline.

Labcorp Genetics (formerly Invitae), Labcorp
Classification: Uncertain significance for Primary pulmonary hypertension 4. Last evaluated: 2019-06-12. Review status: criteria provided, single submitter. Criteria: Invitae Variant Classification Sherloc (09022015). Collection method: clinical testing. Allele origin: germline.
Comment: This sequence change replaces arginine with serine at codon 261 of the KCNK3 protein (p.Arg261Ser). The arginine residue is moderately conserved and there is a moderate physicochemical difference between arginine and serine. This variant is not present in population databases (ExAC no frequency). This variant has not been reported in the literature in individuals with KCNK3-related disease. Algorithms developed to predict the effect of missense changes on protein structure and function (SIFT, PolyPhen-2, Align-GVGD) all suggest that this variant is likely to be tolerated, but these predictions have not been confirmed by published functional studies and their clinical significance is uncertain. In summary, the available evidence is currently insufficient to determine the role of this variant in disease. Therefore, it has been classified as a Variant of Uncertain Significance.